The following is an entry in ClinVar:

ClinVar aggregate classification (germline): Likely benign (1 of 4 stars; one submission).

gnomAD v4.1: 152 of 1,613,996 alleles (0.0094%); highest among the groups gnomAD compares: Middle Eastern, 0.033%; no homozygotes.

Submission:

Mayo Clinic Laboratories, Mayo Clinic
Classification: Likely benign. Last evaluated: 2025-10-22. Review status: criteria provided, single submitter. Criteria: ACMG Guidelines, 2015. Collection method: clinical testing. Allele origin: germline. Observed: 1 variant allele.
Comment: BP4, BP7

NM_004184.4(WARS1):c.588G>A (p.Thr196=)

Gene: WARS1 (tryptophanyl-tRNA synthetase 1; minus strand). Cytogenetic location: 14q32.2.
Variant type: single nucleotide variant.
Coding change: c.588G>A on transcript NM_004184.4 (MANE Select); coding-DNA position 588, G replaced by A.
Protein change: p.Thr196=; no amino-acid change (threonine 196 retained).
Molecular consequence: synonymous variant.
Genome position (GRCh38, 1-based): chr14:100,353,824, C>T on the plus strand (G>A on the coding strand, the complement: WARS1 is on the minus strand). VCF-style: chr14-100353824-C-T. GRCh37 (hg19) VCF-style: chr14-100820161-C-T.
Other names: p.Thr196=; c.588G>A, p.Thr196= (NM_173701.2); c.465G>A, p.Thr155= (NM_213645.2, NM_213646.2).
Identifiers: ClinVar variation 4683930 (VCV004683930.1).